The following is an entry in ClinVar:

NM_000038.6(APC):c.4969_4970insG (p.Leu1657fs)

Gene: APC (APC regulator of WNT signaling pathway; plus strand). Cytogenetic location: 5q22.2.
Variant type: Insertion.
Coding change: c.4969_4970insG on transcript NM_000038.6 (MANE Select); coding-DNA positions 4969 to 4970, G inserted.
Protein change: p.Leu1657fs; shifts the reading frame from leucine 1657.
Molecular consequence: frameshift variant.
Genome position: GRCh38 VCF-style: chr5-112840563-C-CG. GRCh37 (hg19) VCF-style: chr5-112176260-C-CG.
Other names: c.4969_4970insG, p.Leu1657fs (NM_001127510.3, NM_001354895.2); c.4915_4916insG, p.Leu1639fs (NM_001127511.3); c.5023_5024insG, p.Leu1675fs (NM_001354896.2); c.4999_5000insG, p.Leu1667fs (NM_001354897.2); c.4894_4895insG, p.Leu1632fs (NM_001354898.2); c.4885_4886insG, p.Leu1629fs (NM_001354899.2); c.4846_4847insG, p.Leu1616fs (NM_001354900.2); c.4792_4793insG, p.Leu1598fs (NM_001354901.2); and 5 more; short protein forms L1374fs, L1556fs, L1629fs, L1657fs, L1667fs, L1497fs, L1531fs, L1598fs.
Identifiers: ClinVar variation 545778 (VCV000545778.2), dbSNP rs1554086338, ClinGen allele CA658822519.

ClinVar aggregate classification (germline): Pathogenic (1 of 4 stars; one submission).

Submission:

GeneDx
Classification: Pathogenic. Last evaluated: 2017-04-12. Review status: criteria provided, single submitter. Criteria: GeneDx Variant Classification (06012015). Collection method: clinical testing. Allele origin: germline. Affected: yes.
Comment: This insertion of one nucleotide in APC is denoted c.4969_4970insG at the cDNA level and p.Leu1657ArgfsX3 (L1657RfsX3) at the protein level. The normal sequence, with the base that is inserted in brackets, is TCTC[insG]TAAG. The insertion causes a frameshift which changes a Leucine to an Arginine at codon 1657, and creates a premature stop codon at position 3 of the new reading frame. Although this variant has not, to our knowledge, been reported in the literature, it is expected to result in a truncated protein with loss of the last 1187 amino acids. We consider this variant to be pathogenic.